The following is an entry in ClinVar:

ClinVar aggregate classification (germline): Uncertain significance (1 of 4 stars; one submission).

Submission:

Ambry Genetics
Classification: Uncertain significance. Last evaluated: 2022-11-23. Review status: criteria provided, single submitter. Criteria: Ambry Variant Classification Scheme 2023. Collection method: clinical testing. Allele origin: germline.
Comment: The p.L862V variant (also known as c.2584C>G), located in coding exon 23 of the PRKDC gene, results from a C to G substitution at nucleotide position 2584. The leucine at codon 862 is replaced by valine, an amino acid with highly similar properties. This amino acid position is conserved. In addition, the in silico prediction for this alteration is inconclusive. Since supporting evidence is limited at this time, the clinical significance of this alteration remains unclear.

NM_006904.7(PRKDC):c.2584C>G (p.Leu862Val)

Gene: PRKDC (protein kinase, DNA-activated, catalytic subunit; minus strand). Cytogenetic location: 8q11.21.
Variant type: single nucleotide variant.
Coding change: c.2584C>G on transcript NM_006904.7 (MANE Select); coding-DNA position 2584, C replaced by G.
Protein change: p.Leu862Val; replaces leucine 862 with valine.
Molecular consequence: missense variant.
Genome position (GRCh38, 1-based): chr8:47,915,361, G>C on the plus strand (C>G on the coding strand, the complement: PRKDC is on the minus strand). VCF-style: chr8-47915361-G-C. GRCh37 (hg19) VCF-style: chr8-48827921-G-C.
Other names: c.2584C>G, p.Leu862Val (NM_001081640.2); short protein forms L862V.
Identifiers: ClinVar variation 3225802 (VCV003225802.1), dbSNP rs1477652103, ClinGen allele CA371159849.